The following is an entry in ClinVar:

ClinVar aggregate classification (germline): Uncertain significance (1 of 4 stars; one submission).

gnomAD v4.1: 6 of 1,603,786 alleles (0.00037%); highest among the groups gnomAD compares: African/African-American, 0.0054%; no homozygotes.

Submission:

Dasa
Classification: Uncertain significance. Last evaluated: 2026-03-24. Review status: criteria provided, single submitter. Criteria: DASA Assertion Criteria. Collection method: clinical testing. Allele origin: germline.
Comment: NM_006421.5(ARFGEF1):c.640-4C>A is a splice-region variant. This variant is rare in population databases. Computational prediction algorithms are consistent with a benign effect. The currently available literature and clinical evidence are not sufficient to establish a definitive association between this variant and the reported condition. Therefore, this variant is classified as a variant of uncertain significance.

NM_006421.5(ARFGEF1):c.640-4C>A

Gene: ARFGEF1 (ARF guanine nucleotide exchange factor 1; minus strand). Cytogenetic location: 8q13.2.
Variant type: single nucleotide variant.
Coding change: c.640-4C>A on transcript NM_006421.5 (MANE Select); 4 bases into the intron before coding-DNA position 640, C replaced by A.
Molecular consequence: intron variant.
Genome position (GRCh38, 1-based): chr8:67,292,127, G>T on the plus strand (C>A on the coding strand, the complement: ARFGEF1 is on the minus strand). VCF-style: chr8-67292127-G-T. GRCh37 (hg19) VCF-style: chr8-68204362-G-T.
Other names: c.640-4C>A (NM_001413186.1, NM_001413187.1, NM_001413185.1 and 7 more transcripts); c.40-4C>A (NM_001413188.1, NM_001413197.1, NM_001413193.1); c.-476-4C>A (NM_001413196.1).
Identifiers: ClinVar variation 4885078 (VCV004885078.2).